The following is an entry in ClinVar:

ClinVar aggregate classification (germline): Likely pathogenic (1 of 4 stars; one submission).

Conditions:
Nephrotic syndrome, type 11 (NPHS11). Identifiers: Orphanet 656, MedGen C4225228, MONDO:0014752, OMIM 616730.

Allele frequency attached by ClinVar (database versions not stated): TOPMed below 0.00001; ExAC 0.00001; gnomAD 0.00001; gnomAD exomes 0.00001.
gnomAD v4.1: 8 of 1,609,458 alleles (0.0005%); highest among the groups gnomAD compares: East Asian, 0.0022%; no homozygotes.

Submission:

3billion
Classification: Likely pathogenic for Nephrotic syndrome, type 11. Last evaluated: 2022-05-22. Review status: criteria provided, single submitter. Criteria: ACMG Guidelines, 2015. Collection method: clinical testing. Allele origin: germline. Affected: yes. Observed: 1 heterozygote.
Comment: The variant is observed at an extremely low frequency in the gnomAD v2.1.1 dataset (total allele frequency: <0.001%). Stop-gained (nonsense): predicted to result in a loss or disruption of normal protein function through nonsense-mediated decay (NMD) or protein truncation. Multiple pathogenic variants are reported downstream of the variant. Therefore, this variant is classified as likely pathogenic according to the recommendation of ACMG/AMP guideline.

NM_020401.4(NUP107):c.580C>T (p.Arg194Ter)

Gene: NUP107 (nucleoporin 107; plus strand). Cytogenetic location: 12q15.
Variant type: single nucleotide variant.
Coding change: c.580C>T on transcript NM_020401.4 (MANE Select); coding-DNA position 580, C replaced by T.
Protein change: p.Arg194Ter; replaces arginine 194 with a stop codon.
Molecular consequence: nonsense.
Genome position (GRCh38, 1-based): chr12:68,700,753, C>T. VCF-style: chr12-68700753-C-T. GRCh37 (hg19) VCF-style: chr12-69094533-C-T.
Other names: c.493C>T, p.Arg165Ter (NM_001330192.2); short protein forms R165*, R194*.
Identifiers: ClinVar variation 1687223 (VCV001687223.1), dbSNP rs774346160, ClinGen allele CA6677494.